The following is an entry in ClinVar:

NM_199420.4(POLQ):c.733G>A (p.Ala245Thr)

Gene: POLQ (DNA polymerase theta; minus strand). Cytogenetic location: 3q13.33.
Variant type: single nucleotide variant.
Coding change: c.733G>A on transcript NM_199420.4 (MANE Select); coding-DNA position 733, G replaced by A.
Protein change: p.Ala245Thr; replaces alanine 245 with threonine.
Molecular consequence: missense variant.
Genome position (GRCh38, 1-based): chr3:121,537,107, C>T on the plus strand (G>A on the coding strand, the complement: POLQ is on the minus strand). VCF-style: chr3-121537107-C-T. GRCh37 (hg19) VCF-style: chr3-121255954-C-T.
Other names: short protein forms A245T.
Identifiers: ClinVar variation 1758404 (VCV001758404.2), dbSNP rs2048456582, ClinGen allele CA354090315.

ClinVar aggregate classification (germline): Uncertain significance (1 of 4 stars; one submission).

Allele frequency attached by ClinVar (database versions not stated): TOPMed below 0.00001.

Submission:

Ambry Genetics
Classification: Uncertain significance. Last evaluated: 2022-08-16. Review status: criteria provided, single submitter. Criteria: Ambry Variant Classification Scheme 2023. Collection method: clinical testing. Allele origin: germline.
Comment: The p.A245T variant (also known as c.733G>A), located in coding exon 5 of the POLQ gene, results from a G to A substitution at nucleotide position 733. The alanine at codon 245 is replaced by threonine, an amino acid with similar properties. This amino acid position is conserved. In addition, this alteration is predicted to be tolerated by in silico analysis. Since supporting evidence is limited at this time, the clinical significance of this alteration remains unclear.